The following is an entry in ClinVar:

ClinVar aggregate classification (germline): Pathogenic/Likely pathogenic. Review status: criteria provided, multiple submitters, no conflicts (2 of 4 stars). 11 submissions from 11 submitters: Pathogenic (1); Likely pathogenic (6). 4 of the submissions do not count toward it. Last evaluated 2026-06-03.

Conditions:
Ovarian neoplasm. Also called: Neoplasm of ovary; Ovarian tumor; Ovarian Neoplasms. Identifiers: MedGen C0919267, MeSH D010051, MONDO:0021068, HP:0100615.
RAD51D-related disorder. Also called: RAD51D-related condition.
Hereditary cancer-predisposing syndrome. Also called: Tumor predisposition; Neoplastic Syndromes, Hereditary; Hereditary Cancer Syndrome; Hereditary neoplastic syndrome. Identifiers: Orphanet 140162, MedGen C0027672, MeSH D009386, MONDO:0015356.
Breast-ovarian cancer, familial, susceptibility to, 4. Identifiers: Orphanet 145, MedGen C3280345, MONDO:0013669, OMIM 614291.

Allele frequency attached by ClinVar (database versions not stated): gnomAD exomes below 0.00001; ExAC 0.00001; gnomAD 0.00002.

Submissions (11):

Ambry Genetics
Classification: Likely pathogenic for Hereditary cancer-predisposing syndrome. Last evaluated: 2026-06-03. Review status: criteria provided, single submitter. Criteria: Ambry Variant Classification Scheme 2023. Collection method: clinical testing. Allele origin: germline.
Comment: The c.576+1G>A intronic variant results from a G to A substitution one nucleotide after coding exon 6 of the RAD51D gene. This variant has been reported in multiple individuals with personal history of breast and/or ovarian cancer, including male breast cancer (Pelttari LM et al. J. Med. Genet., 2012 Jul;49:429-32; Song H et al. J. Clin. Oncol., 2015 Sep;33:2901-7; Hallamies S et al. BMC Cancer, 2017 Sep;17:620; Nurmi A et al. Int. J. Cancer, 2019 Nov;145:2692-2700; Yang X et al. J Natl Cancer Inst, 2020 12;112:1242-1250). Haplotype analysis suggests this variant may be a Finnish founder mutation (Pelttari LM et al. J. Med. Genet., 2012 Jul;49:429-32). This nucleotide position is highly conserved in available vertebrate species. In silico splice site analysis predicts that this alteration will weaken the native splice donor site and may result in the creation or strengthening of a novel splice donor site; however, direct evidence is insufficient at this time (Ambry internal data). Alterations that disrupt the canonical splice site are expected to cause aberrant splicing, resulting in an abnormal protein or a transcript that is subject to nonsense-mediated mRNA decay. As such, this alteration is classified as likely pathogenic.

Color Diagnostics, LLC DBA Color Health
Classification: Likely pathogenic for Hereditary cancer-predisposing syndrome. Last evaluated: 2025-11-13. Review status: criteria provided, single submitter. Criteria: ACMG Guidelines, 2015. Collection method: clinical testing. Allele origin: germline.
Comment: This variant causes a G to A nucleotide substitution at the +1 position of intron 6 in the RAD51D gene. Splice site prediction tools predict that this variant may have a significant impact on RNA splicing. Although functional studies have not been reported for this variant, it is expected to result in an absent or non-functional protein product. This variant has been reported in individuals affected with ovarian cancer, breast cancer, tubo-ovarian carcinoma, and endometrial cancer (PMID: 22652533, 26261251, 29053726, 30927251, 32107557). This variant has been identified in 6/1612668 chromosomes in the general population by the Genome Aggregation Database (gnomAD). Based on the available evidence, this variant is classified as Likely Pathogenic.

Fulgent Genetics
Classification: Likely pathogenic for Breast-ovarian cancer, familial, susceptibility to, 4. Last evaluated: 2024-06-05. Review status: criteria provided, single submitter. Criteria: ACMG Guidelines, 2015. Collection method: clinical testing. Allele origin: germline.

Quest Diagnostics Nichols Institute San Juan Capistrano
Classification: Likely pathogenic. Last evaluated: 2024-04-25. Review status: criteria provided, single submitter. Criteria: Quest Diagnostics criteria. Collection method: clinical testing. Allele origin: unknown.
Comment: The RAD51D c.576+1G>A variant disrupts a canonical splice-donor site and is predicted to result in the in-frame skipping of exon 6, which removes approximately 10% of the RAD51D protein and is expected to have an impact on protein function. In the published literature, this variant has been reported in multiple individuals with a personal or family history of breast/ovarian cancer (PMIDs: 32107557 (2020), 30927251 (2019), 29053726 (2017), 26261251 (2015)), and has been characterized as a founder mutation in the Finnish population (PMID: 22652533 (2012)). The frequency of this variant in the general population, 0.0000071 (2/280242 chromosomes (Genome Aggregation Database)), is consistent with pathogenicity. Based on the available information, this variant is classified as likely pathogenic.

Labcorp Genetics (formerly Invitae), Labcorp
Classification: Pathogenic for Breast-ovarian cancer, familial, susceptibility to, 4. Last evaluated: 2023-10-26. Review status: criteria provided, single submitter. Criteria: Invitae Variant Classification Sherloc (09022015). Collection method: clinical testing. Allele origin: germline.
Comment: This sequence change affects a donor splice site in intron 6 of the RAD51D gene. It is expected to disrupt RNA splicing. Variants that disrupt the donor or acceptor splice site typically lead to a loss of protein function (PMID: 16199547), and loss-of-function variants in RAD51D are known to be pathogenic (PMID: 21822267). This variant is present in population databases (rs781161543, gnomAD 0.004%). Disruption of this splice site has been observed in individual(s) with endometrioid ovarian cancer (PMID: 22652533, 26261251). It is commonly reported in individuals of Finnish ancestry (PMID: 22652533, 26261251). In a small case-control study involving approximately 2000 cases and controls from Finland, this variant was shown to confer an increased risk for ovarian cancer in individuals with a personal or family history (OR 9.16, 95% CI 1.07 -78.56, p=0.024), with the highest risk in breast-ovarian cancer families (OR 37.82, 95% CI 3.90-366.91, p=0.0016) (PMID: 22652533). ClinVar contains an entry for this variant (Variation ID: 371839). Studies have shown that disruption of this splice site is associated with inconclusive levels of altered splicing (Invitae). For these reasons, this variant has been classified as Pathogenic.

Blueprint Genetics
Classification: Likely pathogenic for RAD51D-related disorders. Last evaluated: 2023-04-19. Review status: criteria provided, single submitter. Criteria: ACMG Guidelines, 2015. Collection method: clinical testing. Allele origin: germline. Affected: yes. Observed: 2 variant alleles.

Myriad Genetics, Inc.
Classification: Likely pathogenic for Breast-ovarian cancer, familial, susceptibility to, 4. Last evaluated: 2023-04-06. Review status: criteria provided, single submitter. Criteria: Myriad Autosomal Dominant, Autosomal Recessive and X-Linked Classification Criteria (2023). Collection method: clinical testing. Allele origin: unknown.
Comment: This variant is considered likely pathogenic. This variant occurs within a consensus splice junction and is predicted to result in abnormal mRNA splicing of either an out-of-frame exon or an in-frame exon necessary for protein stability and/or normal function.

German Consortium for Hereditary Breast and Ovarian Cancer, University Hospital Cologne
Classification: Likely pathogenic for Ovarian neoplasm. Last evaluated: 2018-12-01. Review status: no assertion criteria provided. Collection method: research. Allele origin: germline. Affected: yes. Not counted in ClinVar's aggregate classification.

Counsyl
Classification: Pathogenic for Breast-ovarian cancer, familial, susceptibility to, 4. Last evaluated: 2016-06-09. Review status: no assertion criteria provided. Collection method: clinical testing. Allele origin: unknown. Not counted in ClinVar's aggregate classification.

Diagnostic Laboratory, Department of Genetics, University Medical Center Groningen
Classification: Pathogenic. Review status: no assertion criteria provided. Collection method: clinical testing. Allele origin: germline. Affected: yes. Study: VKGL Data-share Consensus. Not counted in ClinVar's aggregate classification.

Joint Genome Diagnostic Labs from Nijmegen and Maastricht, Radboudumc and MUMC+
Classification: Pathogenic. Review status: no assertion criteria provided. Collection method: clinical testing. Allele origin: germline. Affected: yes. Study: VKGL Data-share Consensus. Not counted in ClinVar's aggregate classification.

Literature cited by the submitters: PubMed 22652533 (cited by 5 submitters); PubMed 26083025 (cited by Ambry Genetics); PubMed 26261251 (cited by 5 submitters); PubMed 28874143 (cited by Ambry Genetics); PubMed 30927251 (cited by 3 submitters); PubMed 32107557 (cited by 3 submitters); PubMed 29053726 (cited by Color Diagnostics, LLC DBA Color Health and Quest Diagnostics Nichols Institute San Juan Capistrano); PubMed 16199547 (cited by Labcorp Genetics (formerly Invitae), Labcorp); PubMed 21822267 (cited by Labcorp Genetics (formerly Invitae), Labcorp).

NM_002878.4(RAD51D):c.576+1G>A

Genes: RAD51D (RAD51 paralog D; minus strand), RAD51L3-RFFL (RAD51L3-RFFL readthrough; minus strand). Cytogenetic location: 17q12.
Variant type: single nucleotide variant.
Coding change: c.576+1G>A on transcript NM_002878.4 (MANE Select); the canonical splice donor site of the intron after coding-DNA position 576, G replaced by A.
Molecular consequence: splice donor variant.
Genome position (GRCh38, 1-based): chr17:35,106,385, C>T on the plus strand (G>A on the coding strand, the complement: RAD51D is on the minus strand). VCF-style: chr17-35106385-C-T. GRCh37 (hg19) VCF-style: chr17-33433404-C-T.
Other names: c.240+1G>A (NM_133629.3); c.636+1G>A (NM_001142571.2).
Identifiers: ClinVar variation 371839 (VCV000371839.28), dbSNP rs781161543, ClinGen allele CA8499450.
Genomic context (GRCh38, chr17:35,106,385, plus strand): 5'-CCCACAGAGATAGCACCTAGAAAGCTGAATTAAGCAAGGAGGGGCAGAACAGCAGGCTCA[C>T]CTGCTGGGCCACAGTGCCTCGGAGCTCCTGCAGCACATCCAGCATCTGGAAGATGTCAAA-3'